The following is an entry in ClinVar:

ClinVar aggregate classification (germline): Uncertain significance (1 of 4 stars; one submission).

gnomAD v4.1: 1 of 1,614,180 alleles (0.000062%); highest among the groups gnomAD compares: Non-Finnish European, 0.000085%; no homozygotes.

Submission:

GeneDx
Classification: Uncertain significance. Last evaluated: 2024-11-13. Review status: criteria provided, single submitter. Criteria: GeneDx Variant Classification Process June 2021. Collection method: clinical testing. Allele origin: germline. Affected: yes.
Comment: Not observed at significant frequency in large population cohorts (gnomAD); In silico analysis supports that this missense variant has a deleterious effect on protein structure/function; Has not been previously published as pathogenic or benign to our knowledge

NM_004568.6(SERPINB6):c.458G>C (p.Gly153Ala)

Gene: SERPINB6 (serpin family B member 6; minus strand). Cytogenetic location: 6p25.2.
Variant type: single nucleotide variant.
Coding change: c.458G>C on transcript NM_004568.6 (MANE Select); coding-DNA position 458, G replaced by C.
Protein change: p.Gly153Ala; replaces glycine 153 with alanine.
Molecular consequence: missense variant. On other transcripts: non-coding transcript variant (1).
Genome position (GRCh38, 1-based): chr6:2,953,159, C>G on the plus strand (G>C on the coding strand, the complement: SERPINB6 is on the minus strand). VCF-style: chr6-2953159-C-G. GRCh37 (hg19) VCF-style: chr6-2953393-C-G.
Other names: c.470G>C, p.Gly157Ala (NM_001195291.3, NM_001374515.1); c.500G>C, p.Gly167Ala (NM_001271822.2); c.515G>C, p.Gly172Ala (NM_001271823.2); c.458G>C, p.Gly153Ala (NM_001271824.2, NM_001271825.2, NM_001297699.2 and 2 more transcripts); c.326G>C, p.Gly109Ala (NM_001374517.1); short protein forms G109A, G153A, G157A, G167A, G172A.
Identifiers: ClinVar variation 3899652 (VCV003899652.1).